The following is an entry in ClinVar:

ClinVar aggregate classification (germline): Uncertain significance (1 of 4 stars; one submission).

Submission:

Women's Health and Genetics/Laboratory Corporation of America, LabCorp
Classification: Uncertain significance. Last evaluated: 2026-02-11. Review status: criteria provided, single submitter. Criteria: LabCorp Variant Classification Summary - May 2015. Collection method: clinical testing. Allele origin: germline.
Comment: Variant summary: CRLF1 c.852G>T (p.Trp284Cys) results in a non-conservative amino acid change in the encoded protein sequence. Algorithms developed to predict the effect of missense changes on protein structure and function all suggest that this variant is likely to be disruptive. The variant was absent in 250980 control chromosomes (gnomAD). The available data on variant occurrences in the general population are insufficient to allow any conclusion about variant significance. c.852G>T has been observed in one individual affected with Cold-Induced Sweating Syndrome (Hahn_2006). These data do not allow any conclusion about variant significance. At least one publication reports experimental evidence evaluating an impact on protein function and this variant affects CRLF1 protein function (Herholz_2011). The following publications have been ascertained in the context of this evaluation (PMID: 16952376, 20400119, 21326283). No submitters have cited clinical-significance assessments for this variant to ClinVar. Based on the evidence outlined above, the variant was classified as uncertain significance.

Literature cited by the submitters: PubMed 20400119; PubMed 21326283; PubMed 16952376.

NM_004750.5(CRLF1):c.852G>T (p.Trp284Cys)

Genes: CRLF1 (cytokine receptor like factor 1; minus strand), LOC112543470 (Sharpr-MPRA regulatory region 11645; plus strand). Cytogenetic location: 19p13.11.
Variant type: single nucleotide variant.
Coding change: c.852G>T on transcript NM_004750.5 (MANE Select); coding-DNA position 852, G replaced by T.
Protein change: p.Trp284Cys; replaces tryptophan 284 with cysteine.
Molecular consequence: missense variant.
Genome position (GRCh38, 1-based): chr19:18,596,895, C>A on the plus strand (G>T on the coding strand, the complement: CRLF1 is on the minus strand). VCF-style: chr19-18596895-C-A. GRCh37 (hg19) VCF-style: chr19-18707705-C-A.
Other names: short protein forms W284C.
Identifiers: ClinVar variation 4847895 (VCV004847895.1), dbSNP rs137853927.
Genomic context (GRCh38, chr19:18,596,895, plus strand): 5'-GGAGCGGGGGCGGGGCCTGGAAGGAACAGGGGCGGAGTCAGGGAAGGGGAGGGTCACCTT[C>A]CAGTCCACACTGTCCTCCACTCGGTAGCGGATCTGGTATTTGGCTTGAAAGAGGAAATCC-3'
Protein context (NP_004741.1, residues 274-294): IRYRVEDSVD[Trp284Cys]KVVDDVSNQT